The following is an entry in ClinVar:

ClinVar aggregate classification (germline): Uncertain significance (1 of 4 stars; one submission).

gnomAD v4.1: 7 of 1,613,972 alleles (0.00043%); highest among the groups gnomAD compares: African/African-American, 0.004%; no homozygotes.

Submission:

Ambry Genetics
Classification: Uncertain significance. Last evaluated: 2024-10-24. Review status: criteria provided, single submitter. Criteria: Ambry Variant Classification Scheme 2023. Collection method: clinical testing. Allele origin: germline.
Comment: The p.K101E variant (also known as c.301A>G), located in coding exon 5 of the RAD54L gene, results from an A to G substitution at nucleotide position 301. The lysine at codon 101 is replaced by glutamic acid, an amino acid with similar properties. This amino acid position is conserved. In addition, this alteration is predicted to be tolerated by in silico analysis. Since supporting evidence is limited at this time, the clinical significance of this alteration remains unclear.

NM_003579.4(RAD54L):c.301A>G (p.Lys101Glu)

Gene: RAD54L (RAD54 like; plus strand). Cytogenetic location: 1p34.1.
Variant type: single nucleotide variant.
Coding change: c.301A>G on transcript NM_003579.4 (MANE Select); coding-DNA position 301, A replaced by G.
Protein change: p.Lys101Glu; replaces lysine 101 with glutamic acid.
Molecular consequence: missense variant. On other transcripts: 5 prime UTR variant (1).
Genome position (GRCh38, 1-based): chr1:46,259,993, A>G. VCF-style: chr1-46259993-A-G. GRCh37 (hg19) VCF-style: chr1-46725665-A-G.
Other names: c.301A>G, p.Lys101Glu (NM_001142548.2); c.-240A>G (NM_001370766.1); short protein forms K101E.
Identifiers: ClinVar variation 1798888 (VCV001798888.3), dbSNP rs570916043, ClinGen allele CA21905660.
Genomic context (GRCh38, chr1:46,259,993, plus strand): 5'-TTCAGGTGACGGAATGATTATTGGTTTGTAGGTCCTCTGGGCTCTCGAGCATTGGGCCTG[A>G]AAAGGGCTGGGGTCCGCCGGGCCCTCCATGACCCCCTGGAAAAAGATGCCTTGGTTCTGT-3'
Protein context (NP_003570.2, residues 91-111): GPLGSRALGL[Lys101Glu]RAGVRRALHD